The following is an entry in ClinVar:

ClinVar aggregate classification (germline): Likely benign (1 of 4 stars; one submission).

Conditions:
GNAS-related disorder. Identifiers: MedGen CN380105.

Submission:

PreventionGenetics, part of Exact Sciences
Classification: Likely benign for GNAS-related condition. Last evaluated: 2025-04-24. Review status: criteria provided, single submitter. Criteria: ACMG Guidelines, 2015. Collection method: clinical testing. Allele origin: germline.
Comment: This variant is classified as likely benign based on ACMG/AMP sequence variant interpretation guidelines (Richards et al. 2015 PMID: 25741868, with internal and published modifications).

NM_000516.7(GNAS):c.839+10G>A

Gene: GNAS (GNAS complex locus; plus strand). Cytogenetic location: 20q13.32.
Variant type: single nucleotide variant.
Coding change: c.839+10G>A on transcript NM_000516.7 (MANE Select); 10 bases into the intron after coding-DNA position 839, G replaced by A.
Molecular consequence: intron variant.
Genome position (GRCh38, 1-based): chr20:58,909,814, G>A. VCF-style: chr20-58909814-G-A. GRCh37 (hg19) VCF-style: chr20-57484869-G-A.
Other names: c.*745+10G>A (NM_016592.5); c.743+10G>A (NM_001410912.1); c.662+10G>A (NM_001309861.2, NM_001439291.1, NM_001309840.2 and 1 more transcripts); c.*700+10G>A (NM_001077490.3); c.2768+10G>A (NM_080425.4); c.2723+10G>A (NM_001410913.1); c.617+10G>A (NM_001438273.1, NM_001438274.1, NM_001438275.1); c.842+10G>A (NM_001077488.5); and 2 more.
Identifiers: ClinVar variation 4997845 (VCV004997845.1).